The following is an entry in ClinVar:

ClinVar aggregate classification (germline): Conflicting classifications of pathogenicity. Review status: criteria provided, conflicting classifications (1 of 4 stars). 2 submissions from 2 submitters: Uncertain significance (1); Likely benign (1). Last evaluated 2024-09-01.

Conditions:
Autosomal dominant nonsyndromic hearing loss 5. Identifiers: Orphanet 90635, MedGen C1832932, MONDO:0010973, OMIM 600994.
Inborn genetic diseases. Identifiers: MedGen C0950123, MeSH D030342.

Allele frequency attached by ClinVar (database versions not stated): gnomAD 0.00001; TOPMed 0.00002; gnomAD exomes 0.00005; ExAC 0.00010; 1000 Genomes Project 30x 0.00016; 1000 Genomes Project 0.00020.
gnomAD v4.1: 53 of 1,614,100 alleles (0.0033%); highest among the groups gnomAD compares: South Asian, 0.048%; 2 homozygotes.

Submissions (2):

Ambry Genetics
Classification: Uncertain significance for Inborn genetic diseases. Last evaluated: 2024-09-01. Review status: criteria provided, single submitter. Criteria: Ambry Variant Classification Scheme 2023. Collection method: clinical testing. Allele origin: germline.

Illumina Laboratory Services, Illumina
Classification: Likely benign for Autosomal dominant nonsyndromic hearing loss 5. Last evaluated: 2018-01-12. Review status: criteria provided, single submitter. Criteria: ICSL Variant Classification Criteria 13 December 2019. Collection method: clinical testing. Allele origin: germline.
Comment: This variant was observed in the ICSL laboratory as part of a predisposition screen in an ostensibly healthy population. It had not been previously curated by ICSL or reported in the Human Gene Mutation Database (HGMD: prior to June 1st, 2018), and was therefore a candidate for classification through an automated scoring system. Utilizing variant allele frequency, disease prevalence and penetrance estimates, and inheritance mode, an automated score was calculated to assess if this variant is too frequent to cause the disease. Based on the score and internal cut-off values, a variant classified as likely benign is not then subjected to further curation. The score for this variant resulted in a classification of likely benign for this disease.

NM_001127453.2(GSDME):c.584C>T (p.Ala195Val)

Gene: GSDME (gasdermin E; minus strand). Cytogenetic location: 7p15.3.
Variant type: single nucleotide variant.
Coding change: c.584C>T on transcript NM_001127453.2 (MANE Select); coding-DNA position 584, C replaced by T.
Protein change: p.Ala195Val; replaces alanine 195 with valine.
Molecular consequence: missense variant.
Genome position (GRCh38, 1-based): chr7:24,717,367, G>A on the plus strand (C>T on the coding strand, the complement: GSDME is on the minus strand). VCF-style: chr7-24717367-G-A. GRCh37 (hg19) VCF-style: chr7-24756986-G-A.
Other names: c.92C>T, p.Ala31Val (NM_001127454.2); c.584C>T, p.Ala195Val (NM_004403.3); short protein forms A195V, A31V.
Identifiers: ClinVar variation 359851 (VCV000359851.6), dbSNP rs534396774, ClinGen allele CA4191678.